The following is an entry in ClinVar:

NM_194248.3(OTOF):c.2591G>A (p.Arg864His)

Gene: OTOF (otoferlin; minus strand). Cytogenetic location: 2p23.3.
Variant type: single nucleotide variant.
Coding change: c.2591G>A on transcript NM_194248.3 (MANE Select); coding-DNA position 2591, G replaced by A.
Protein change: p.Arg864His; replaces arginine 864 with histidine.
Molecular consequence: missense variant.
Genome position (GRCh38, 1-based): chr2:26,476,976, C>T on the plus strand (G>A on the coding strand, the complement: OTOF is on the minus strand). VCF-style: chr2-26476976-C-T. GRCh37 (hg19) VCF-style: chr2-26699844-C-T.
Other names: c.2591G>A, p.Arg864His (NM_001287489.2); c.350G>A, p.Arg117His (NM_004802.4, NM_194323.3); c.521G>A, p.Arg174His (NM_194322.3); short protein forms R117H, R174H, R864H.
Identifiers: ClinVar variation 3897367 (VCV003897367.1).

ClinVar aggregate classification (germline): Uncertain significance (1 of 4 stars; one submission).

gnomAD v4.1: 28 of 1,610,816 alleles (0.0017%); highest among the groups gnomAD compares: Non-Finnish European, 0.0022%; no homozygotes.

Submission:

GeneDx
Classification: Uncertain significance. Last evaluated: 2024-11-04. Review status: criteria provided, single submitter. Criteria: GeneDx Variant Classification Process June 2021. Collection method: clinical testing. Allele origin: germline. Affected: yes.
Comment: Not observed at significant frequency in large population cohorts (gnomAD); In silico analysis supports that this missense variant has a deleterious effect on protein structure/function; Has not been previously published as pathogenic or benign to our knowledge